The following is an entry in ClinVar:

NM_014889.4(PITRM1):c.1008-9dup

Gene: PITRM1 (pitrilysin metallopeptidase 1; minus strand). Cytogenetic location: 10p15.2.
Variant type: Duplication.
Coding change: c.1008-9dup on transcript NM_014889.4 (MANE Select); 9 bases into the intron before coding-DNA position 1008, one base duplicated (T; older notation c.1008-9dupT).
Molecular consequence: intron variant.
Genome position (GRCh38, 1-based): chr10:3,159,051, A duplicated on the plus strand (T on the coding strand, the reverse complement: PITRM1 is on the minus strand); the first of 9 consecutive A bases (chr10:3,159,051-3,159,059); duplicating any one gives the same sequence. VCF-style (leftmost placement, unchanged base first): chr10-3159050-G-GA. GRCh37 (hg19) VCF-style: chr10-3201242-G-GA.
Other names: c.984-9dup (NM_001347730.1, NM_001347729.1); c.912-9dup (NM_001242309.1); c.393-9dup (NM_001347726.2, NM_001347727.2); c.-293-9dup (NM_001347728.2); c.1008-9dup (NM_001347725.2, NM_001242307.2); c.912-9dupT (NM_001242309.1); c.1008-9dupT (NM_001242307.1).
Identifiers: ClinVar variation 708492 (VCV000708492.9), dbSNP rs370651887, ClinGen allele CA5387958.

ClinVar aggregate classification (germline): Benign. Review status: criteria provided, single submitter (1 of 4 stars). 2 submissions from 2 submitters: Benign (1). 1 of the submissions does not count toward it. Last evaluated 2026-01-23.

Conditions:
PITRM1-related disorder. Also called: PITRM1-related condition.

Submissions (2):

Labcorp Genetics (formerly Invitae), Labcorp
Classification: Benign. Last evaluated: 2026-01-23. Review status: criteria provided, single submitter. Criteria: Invitae Variant Classification Sherloc (09022015). Collection method: clinical testing. Allele origin: germline.

PreventionGenetics, part of Exact Sciences
Classification: Benign for PITRM1-related condition. Last evaluated: 2019-11-25. Review status: no assertion criteria provided. Collection method: clinical testing. Allele origin: germline. Not counted in ClinVar's aggregate classification.
Comment: This variant is classified as benign based on ACMG/AMP sequence variant interpretation guidelines (Richards et al. 2015 PMID: 25741868, with internal and published modifications).